The following is an entry in ClinVar:

ClinVar aggregate classification (germline): Likely benign. Review status: criteria provided, multiple submitters, no conflicts (2 of 4 stars). 2 submissions from 2 submitters: Likely benign (2). Last evaluated 2026-04-23.

Conditions:
CRB2-related disorder. Also called: CRB2-related disorders; CRB2-related condition.

Allele frequency attached by ClinVar (database versions not stated): gnomAD exomes 0.00001; gnomAD 0.00002; TOPMed 0.00003.
gnomAD v4.1: 17 of 1,607,920 alleles (0.0011%); highest among the groups gnomAD compares: Admixed American, 0.0017%; no homozygotes.

Submissions (2):

PreventionGenetics, part of Exact Sciences
Classification: Likely benign for CRB2-related condition. Last evaluated: 2026-04-23. Review status: criteria provided, single submitter. Criteria: ACMG Guidelines, 2015. Collection method: clinical testing. Allele origin: germline.
Comment: This variant is classified as likely benign based on ACMG/AMP sequence variant interpretation guidelines (Richards et al. 2015 PMID: 25741868, with internal and published modifications).

Labcorp Genetics (formerly Invitae), Labcorp
Classification: Likely benign. Last evaluated: 2022-09-29. Review status: criteria provided, single submitter. Criteria: Invitae Variant Classification Sherloc (09022015). Collection method: clinical testing. Allele origin: germline.

NM_173689.7(CRB2):c.1794C>T (p.Asn598=)

Gene: CRB2 (crumbs cell polarity complex component 2; plus strand). Cytogenetic location: 9q33.3.
Variant type: single nucleotide variant.
Coding change: c.1794C>T on transcript NM_173689.7 (MANE Select); coding-DNA position 1794, C replaced by T.
Protein change: p.Asn598=; no amino-acid change (asparagine 598 retained).
Molecular consequence: synonymous variant. On other transcripts: non-coding transcript variant (1).
Genome position (GRCh38, 1-based): chr9:123,370,847, C>T. VCF-style: chr9-123370847-C-T. GRCh37 (hg19) VCF-style: chr9-126133126-C-T.
Other names: c.1794C>T (NM_173689.6).
Identifiers: ClinVar variation 1963568 (VCV001963568.6), dbSNP rs904447789, ClinGen allele CA199637058.